The following is an entry in ClinVar:

ClinVar aggregate classification (germline): Likely pathogenic (1 of 4 stars; one submission).

Conditions:
Marfan syndrome (MFS). Also called: FBN1-Related Marfan Syndrome; MARFAN SYNDROME, TYPE I; Marfan syndrome type 1; Marfan's syndrome; Marfan syndrome, classic. Identifiers: Orphanet 284963, Orphanet 558, MedGen C0024796, MONDO:0007947, OMIM 154700.
Familial thoracic aortic aneurysm and aortic dissection (TAAD). Also called: Thoracic aortic aneurysms and dissections. Identifiers: Orphanet 91387, MedGen C4707243, MONDO:0019625.

Submission:

Labcorp Genetics (formerly Invitae), Labcorp
Classification: Likely pathogenic for Marfan syndrome; Familial thoracic aortic aneurysm and aortic dissection. Last evaluated: 2020-01-27. Review status: criteria provided, single submitter. Criteria: Invitae Variant Classification Sherloc (09022015). Collection method: clinical testing. Allele origin: germline.
Comment: This variant disrupts the p.Cys1989 amino acid residue in FBN1. Other variant(s) that disrupt this residue have been observed in individuals with FBN1-related conditions (PMID: 27906200, Invitae), which suggests that this may be a clinically significant amino acid residue. This variant affects a cysteine residue in the EGF-like, TGFBP or hybrid motif domains of FBN1. Cysteine residues are believed to be involved in intramolecular disulfide bridges and have been shown to be important for FBN1 protein structure (PMID: 16905551, 19349279). In addition, missense substitutions affecting cysteine residues within these domains are significantly overrepresented among patients with Marfan syndrome (PMID: 16571647, 17701892). In summary, the currently available evidence indicates that the variant is pathogenic, but additional data are needed to prove that conclusively. Therefore, this variant has been classified as Likely Pathogenic. Algorithms developed to predict the effect of missense changes on protein structure and function are either unavailable or do not agree on the potential impact of this missense change (SIFT: "Deleterious"; PolyPhen-2: "Benign"; Align-GVGD: "Class C0"). This variant has not been reported in the literature in individuals with FBN1-related conditions. This variant is not present in population databases (ExAC no frequency). This sequence change replaces cysteine with serine at codon 1989 of the FBN1 protein (p.Cys1989Ser). The cysteine residue is highly conserved and there is a moderate physicochemical difference between cysteine and serine.

Literature cited by the submitters: PubMed 27906200; PubMed 16905551; PubMed 19349279; PubMed 16571647; PubMed 17701892.

NM_000138.5(FBN1):c.5965T>A (p.Cys1989Ser)

Gene: FBN1 (fibrillin 1; minus strand). Cytogenetic location: 15q21.1.
Variant type: single nucleotide variant.
Coding change: c.5965T>A on transcript NM_000138.5 (MANE Select); coding-DNA position 5965, T replaced by A.
Protein change: p.Cys1989Ser; replaces cysteine 1989 with serine.
Molecular consequence: missense variant.
Genome position (GRCh38, 1-based): chr15:48,444,613, A>T on the plus strand (T>A on the coding strand, the complement: FBN1 is on the minus strand). VCF-style: chr15-48444613-A-T. GRCh37 (hg19) VCF-style: chr15-48736810-A-T.
Other names: short protein forms C1989S.
Identifiers: ClinVar variation 1067271 (VCV001067271.9), dbSNP rs2043139988, ClinGen allele CA392339806.